The following is an entry in ClinVar:

ClinVar aggregate classification (germline): Uncertain significance. Review status: criteria provided, multiple submitters, no conflicts (2 of 4 stars). 2 submissions from 2 submitters: Uncertain significance (2). Last evaluated 2024-10-20.

Conditions:
Inborn genetic diseases. Identifiers: MedGen C0950123, MeSH D030342.
Lathosterolosis. Also called: SC5D DEFICIENCY; STEROL C5-DESATURASE DEFICIENCY. Identifiers: Orphanet 46059, MedGen C1846421, MONDO:0011816, OMIM 607330.

Allele frequency attached by ClinVar (database versions not stated): gnomAD 0.00004; gnomAD exomes 0.00002; ExAC 0.00003; ESP Exome Variant Server 0.00015; TOPMed 0.00006.
gnomAD v4.1: 41 of 1,605,682 alleles (0.0026%); highest among the groups gnomAD compares: Non-Finnish European, 0.0031%; no homozygotes.

Submissions (2):

Ambry Genetics
Classification: Uncertain significance for Inborn genetic diseases. Last evaluated: 2024-10-20. Review status: criteria provided, single submitter. Criteria: Ambry Variant Classification Scheme 2023. Collection method: clinical testing. Allele origin: germline.

Labcorp Genetics (formerly Invitae), Labcorp
Classification: Uncertain significance. Last evaluated: 2022-07-05. Review status: criteria provided, single submitter. Criteria: Invitae Variant Classification Sherloc (09022015). Collection method: clinical testing. Allele origin: germline.
Comment: This sequence change replaces asparagine, which is neutral and polar, with serine, which is neutral and polar, at codon 292 of the SC5D protein (p.Asn292Ser). This variant is present in population databases (rs367608610, gnomAD 0.004%). This variant has not been reported in the literature in individuals affected with SC5D-related conditions. ClinVar contains an entry for this variant (Variation ID: 1418599). Algorithms developed to predict the effect of missense changes on protein structure and function output the following: SIFT: "Tolerated"; PolyPhen-2: "Benign"; Align-GVGD: "Class C0". The serine amino acid residue is found in multiple mammalian species, which suggests that this missense change does not adversely affect protein function. In summary, the available evidence is currently insufficient to determine the role of this variant in disease. Therefore, it has been classified as a Variant of Uncertain Significance.

NM_006918.5(SC5D):c.875A>G (p.Asn292Ser)

Gene: SC5D (sterol-C5-desaturase; plus strand). Cytogenetic location: 11q24.1.
Variant type: single nucleotide variant.
Coding change: c.875A>G on transcript NM_006918.5 (MANE Select); coding-DNA position 875, A replaced by G.
Protein change: p.Asn292Ser; replaces asparagine 292 with serine.
Molecular consequence: missense variant.
Genome position (GRCh38, 1-based): chr11:121,307,487, A>G. VCF-style: chr11-121307487-A-G. GRCh37 (hg19) VCF-style: chr11-121178196-A-G.
Other names: c.875A>G, p.Asn292Ser (NM_001024956.3); c.875A>G (NM_006918.4); short protein forms N292S.
Identifiers: ClinVar variation 1418599 (VCV001418599.6), dbSNP rs367608610, ClinGen allele CA6328241.